The following is an entry in ClinVar:

NM_015072.5(TTLL5):c.520C>T (p.Arg174Trp)

Gene: TTLL5 (tubulin tyrosine ligase like 5; plus strand). Cytogenetic location: 14q24.3.
Variant type: single nucleotide variant.
Coding change: c.520C>T on transcript NM_015072.5 (MANE Select); coding-DNA position 520, C replaced by T.
Protein change: p.Arg174Trp; replaces arginine 174 with tryptophan.
Molecular consequence: missense variant.
Genome position (GRCh38, 1-based): chr14:75,699,205, C>T. VCF-style: chr14-75699205-C-T. GRCh37 (hg19) VCF-style: chr14-76165548-C-T.
Other names: short protein forms R174W.
Identifiers: ClinVar variation 935704 (VCV000935704.8), dbSNP rs768601418, ClinGen allele CA7278966.

ClinVar aggregate classification (germline): Uncertain significance. Review status: criteria provided, multiple submitters, no conflicts (2 of 4 stars). 2 submissions from 2 submitters: Uncertain significance (2). Last evaluated 2023-06-07.

Allele frequency attached by ClinVar (database versions not stated): gnomAD 0.00001; ExAC 0.00002; TOPMed 0.00002.
gnomAD v4.1: 29 of 1,613,588 alleles (0.0018%); highest among the groups gnomAD compares: East Asian, 0.0022%; no homozygotes.

Submissions (2):

Blueprint Genetics
Classification: Uncertain significance. Last evaluated: 2023-06-07. Review status: criteria provided, single submitter. Criteria: ACMG Guidelines, 2015. Collection method: clinical testing. Allele origin: germline.

Labcorp Genetics (formerly Invitae), Labcorp
Classification: Uncertain significance. Last evaluated: 2022-05-06. Review status: criteria provided, single submitter. Criteria: Invitae Variant Classification Sherloc (09022015). Collection method: clinical testing. Allele origin: germline.
Comment: This sequence change replaces arginine, which is basic and polar, with tryptophan, which is neutral and slightly polar, at codon 174 of the TTLL5 protein (p.Arg174Trp). This variant is present in population databases (rs768601418, gnomAD 0.003%). This variant has not been reported in the literature in individuals affected with TTLL5-related conditions. ClinVar contains an entry for this variant (Variation ID: 935704). Algorithms developed to predict the effect of missense changes on protein structure and function are either unavailable or do not agree on the potential impact of this missense change (SIFT: "Deleterious"; PolyPhen-2: "Probably Damaging"; Align-GVGD: "Class C0"). In summary, the available evidence is currently insufficient to determine the role of this variant in disease. Therefore, it has been classified as a Variant of Uncertain Significance.